The following is an entry in ClinVar:

NM_000053.4(ATP7B):c.3479C>G (p.Thr1160Ser)

Gene: ATP7B (ATPase copper transporting beta; minus strand). Cytogenetic location: 13q14.3.
Variant type: single nucleotide variant.
Coding change: c.3479C>G on transcript NM_000053.4 (MANE Select); coding-DNA position 3479, C replaced by G.
Protein change: p.Thr1160Ser; replaces threonine 1160 with serine.
Molecular consequence: missense variant. On other transcripts: intron variant (2).
Genome position (GRCh38, 1-based): chr13:51,941,158, G>C on the plus strand (C>G on the coding strand, the complement: ATP7B is on the minus strand). VCF-style: chr13-51941158-G-C. GRCh37 (hg19) VCF-style: chr13-52515294-G-C.
Other names: c.2858C>G, p.Thr953Ser (NM_001005918.3); c.3146C>G, p.Thr1049Ser (NM_001243182.2); c.3245C>G, p.Thr1082Ser (NM_001330578.2, NM_001406527.1, NM_001406528.1); c.3227C>G, p.Thr1076Ser (NM_001330579.2, NM_001406531.1, NM_001406532.1); c.3479C>G, p.Thr1160Ser (NM_001406511.1, NM_001406512.1, NM_001406526.1); c.3473C>G, p.Thr1158Ser (NM_001406513.1); c.3446C>G, p.Thr1149Ser (NM_001406514.1); c.3425C>G, p.Thr1142Ser (NM_001406515.1, NM_001406516.1); and 20 more; short protein forms T1011S, T1017S, T1047S, T1049S, T1050S, T1064S, T1076S, T1080S.
Identifiers: ClinVar variation 3075288 (VCV003075288.1), dbSNP rs372318135, ClinGen allele CA388026449.

ClinVar aggregate classification (germline): Uncertain significance (1 of 4 stars; one submission).

Conditions:
Wilson disease (WND). Also called: Wilson's disease. Identifiers: Orphanet 905, MedGen C0019202, MONDO:0010200, OMIM 277900. Disease mechanism: loss of function.

gnomAD v4.1: 1 of 1,614,146 alleles (0.000062%); no homozygotes.

Submission:

All of Us Research Program, National Institutes of Health
Classification: Uncertain significance for Wilson disease. Last evaluated: 2024-01-03. Review status: criteria provided, single submitter. Criteria: ACMG Guidelines, 2015. Collection method: clinical testing. Allele origin: germline. Inheritance: Autosomal recessive inheritance. Observed: 1 variant allele, 1 heterozygote.
Comment: This missense variant replaces threonine with serine at codon 1160 of the ATP7B protein. Computational prediction suggests that this variant may not impact protein structure and function (internally defined REVEL score threshold <= 0.5, PMID: 27666373). To our knowledge, functional studies have not been reported for this variant. This variant has not been reported in individuals affected with ATP7B-related disorders in the literature. This variant has not been identified in the general population by the Genome Aggregation Database (gnomAD). The available evidence is insufficient to determine the role of this variant in disease conclusively. Therefore, this variant is classified as a Variant of Uncertain Significance.

This study involves interpretation of variants in research participants for the purpose of population health screening. Participant phenotype was not available at the time of variant classification. Additional details can be found in publication PMID: 35346344, PMCID: PMC8962531